The following is an entry in ClinVar:

ClinVar aggregate classification (germline): Uncertain significance (1 of 4 stars; one submission).

Conditions:
DEGCAGS syndrome. Also called: DEVELOPMENTAL DELAY WITH GASTROINTESTINAL, CARDIOVASCULAR, GENITOURINARY, AND SKELETAL ABNORMALITIES. Identifiers: MedGen C5561967, MONDO:0859181, OMIM 619488.

Submission:

Center for Medical Genetics and Molecular Medicine, Haukeland University Hospital
Classification: Uncertain significance for DEGCAGS syndrome. Last evaluated: 2024-02-01. Review status: criteria provided, single submitter. Criteria: ACMG Guidelines, 2015. Collection method: clinical testing. Allele origin: germline. Inheritance: Autosomal recessive inheritance. Affected: yes.
Comment: ACMG subscores: PM3, PM4, PM2_sup

NM_198535.3(ZNF699):c.918_1001del (p.Cys318_Ser345del)

Gene: ZNF699 (zinc finger protein 699; minus strand). Cytogenetic location: 19p13.2.
Variant type: Deletion.
Coding change: c.918_1001del on transcript NM_198535.3 (MANE Select); coding-DNA positions 918 to 1001, 84 bases deleted.
Protein change: p.Cys318_Ser345del.
Molecular consequence: inframe deletion.
Genome position (GRCh38, 1-based): chr19:9,296,403-9,296,486, 84 bases deleted. GRCh37 (hg19): chr19:9,407,110-9,407,193.
Other names: p.(Cys318_Ser345del).
Identifiers: ClinVar variation 2921277 (VCV002921277.1).